The following is an entry in ClinVar:

NM_001290043.2(TAP2):c.68T>C (p.Leu23Pro)

Gene: TAP2 (transporter 2, ATP binding cassette subfamily B member; minus strand). Cytogenetic location: 6p21.32.
Variant type: single nucleotide variant.
Coding change: c.68T>C on transcript NM_001290043.2 (MANE Select); coding-DNA position 68, T replaced by C.
Protein change: p.Leu23Pro; replaces leucine 23 with proline.
Molecular consequence: missense variant.
Genome position (GRCh38, 1-based): chr6:32,838,166, A>G on the plus strand (T>C on the coding strand, the complement: TAP2 is on the minus strand). VCF-style: chr6-32838166-A-G. GRCh37 (hg19) VCF-style: chr6-32805943-A-G.
Other names: c.68T>C, p.Leu23Pro (NM_018833.3, NM_000544.3); short protein forms L23P.
Identifiers: ClinVar variation 845772 (VCV000845772.9), dbSNP rs56071805, ClinGen allele CA3746230.

ClinVar aggregate classification (germline): Uncertain significance. Review status: criteria provided, multiple submitters, no conflicts (2 of 4 stars). 3 submissions from 3 submitters: Uncertain significance (3). Last evaluated 2025-01-03.

Conditions:
MHC class I deficiency. Identifiers: Orphanet 34592, MedGen C6024714, MONDO:0011476.
Inborn genetic diseases. Identifiers: MedGen C0950123, MeSH D030342.

Allele frequency attached by ClinVar (database versions not stated): gnomAD 0.00003; ExAC 0.00006; gnomAD exomes 0.00008; TOPMed 0.00011.
gnomAD v4.1: 126 of 1,600,414 alleles (0.0079%); highest among the groups gnomAD compares: Admixed American, 0.015%; no homozygotes.

Submissions (3):

Ambry Genetics
Classification: Uncertain significance for Inborn genetic diseases. Last evaluated: 2025-01-03. Review status: criteria provided, single submitter. Criteria: Ambry Variant Classification Scheme 2023. Collection method: clinical testing. Allele origin: germline.

Blueprint Genetics
Classification: Uncertain significance. Last evaluated: 2024-04-30. Review status: criteria provided, single submitter. Criteria: ACMG Guidelines, 2015. Collection method: clinical testing. Allele origin: germline.

Labcorp Genetics (formerly Invitae), Labcorp
Classification: Uncertain significance for MHC class I deficiency 1. Last evaluated: 2021-08-31. Review status: criteria provided, single submitter. Criteria: Invitae Variant Classification Sherloc (09022015). Collection method: clinical testing. Allele origin: germline.
Comment: This sequence change replaces leucine with proline at codon 23 of the TAP2 protein (p.Leu23Pro). The leucine residue is moderately conserved and there is a moderate physicochemical difference between leucine and proline. This variant is present in population databases (rs56071805, ExAC 0.02%). This variant has not been reported in the literature in individuals affected with TAP2-related conditions. Algorithms developed to predict the effect of missense changes on protein structure and function are either unavailable or do not agree on the potential impact of this missense change (SIFT: "Deleterious"; PolyPhen-2: "Not Available"; Align-GVGD: "Class C0"). In summary, the available evidence is currently insufficient to determine the role of this variant in disease. Therefore, it has been classified as a Variant of Uncertain Significance.